The following is an entry in ClinVar:

NM_001394372.1(BICRA):c.1075C>A (p.Leu359Met)

Gene: BICRA (BRD4 interacting chromatin remodeling complex associated protein; plus strand). Cytogenetic location: 19q13.33.
Variant type: single nucleotide variant.
Coding change: c.1075C>A on transcript NM_001394372.1 (MANE Select); coding-DNA position 1075, C replaced by A.
Protein change: p.Leu359Met; replaces leucine 359 with methionine.
Molecular consequence: missense variant.
Genome position (GRCh38, 1-based): chr19:47,680,245, C>A. VCF-style: chr19-47680245-C-A. GRCh37 (hg19) VCF-style: chr19-48183502-C-A.
Other names: c.1075C>A, p.Leu359Met (NM_015711.3); short protein forms L359M.
Identifiers: ClinVar variation 3364229 (VCV003364229.1).

ClinVar aggregate classification (germline): Uncertain significance (1 of 4 stars; one submission).

Submission:

GeneDx
Classification: Uncertain significance. Last evaluated: 2023-11-11. Review status: criteria provided, single submitter. Criteria: GeneDx Variant Classification Process June 2021. Collection method: clinical testing. Allele origin: germline. Affected: yes.
Comment: Not observed at significant frequency in large population cohorts (gnomAD); In silico analysis supports that this missense variant does not alter protein structure/function; Has not been previously published as pathogenic or benign to our knowledge